The following is an entry in ClinVar:

ClinVar aggregate classification (germline): Uncertain significance. Review status: criteria provided, multiple submitters, no conflicts (2 of 4 stars). 2 submissions from 2 submitters: Uncertain significance (2). Last evaluated 2022-08-10.

Conditions:
Myofibrillar myopathy 3 (MFM3). Also called: Muscular dystrophy, proximal, type 1A; Autosomal dominant spheroid body myopathy. Identifiers: Orphanet 266, Orphanet 268129, MedGen C3714934, MONDO:0012215, OMIM 609200.

Allele frequency attached by ClinVar (database versions not stated): TOPMed below 0.00001; gnomAD 0.00001.
gnomAD v4.1: 2 of 1,614,080 alleles (0.00012%); highest among the groups gnomAD compares: African/African-American, 0.0027%; no homozygotes.

Submissions (2):

Labcorp Genetics (formerly Invitae), Labcorp
Classification: Uncertain significance for Myofibrillar myopathy 3. Last evaluated: 2022-08-10. Review status: criteria provided, single submitter. Criteria: Invitae Variant Classification Sherloc (09022015). Collection method: clinical testing. Allele origin: germline.
Comment: Algorithms developed to predict the effect of missense changes on protein structure and function output the following: SIFT: "Tolerated"; PolyPhen-2: "Benign"; Align-GVGD: "Class C0". The valine amino acid residue is found in multiple mammalian species, which suggests that this missense change does not adversely affect protein function. In summary, the available evidence is currently insufficient to determine the role of this variant in disease. Therefore, it has been classified as a Variant of Uncertain Significance. ClinVar contains an entry for this variant (Variation ID: 1163258). This variant has not been reported in the literature in individuals affected with MYOT-related conditions. This variant is present in population databases (no rsID available, gnomAD 0.01%). This sequence change replaces isoleucine, which is neutral and non-polar, with valine, which is neutral and non-polar, at codon 100 of the MYOT protein (p.Ile100Val).

Mayo Clinic Laboratories, Mayo Clinic
Classification: Uncertain significance. Last evaluated: 2019-05-12. Review status: criteria provided, single submitter. Criteria: ACMG Guidelines, 2015. Collection method: clinical testing. Allele origin: germline. Observed: 1 variant allele.

NM_006790.3(MYOT):c.298A>G (p.Ile100Val)

Genes: PKD2L2-DT (PKD2L2 divergent transcript; minus strand), MYOT (myotilin; plus strand). Cytogenetic location: 5q31.2.
Variant type: single nucleotide variant.
Coding change: c.298A>G on transcript NM_006790.3 (MANE Select); coding-DNA position 298, A replaced by G.
Protein change: p.Ile100Val; replaces isoleucine 100 with valine.
Molecular consequence: missense variant. On other transcripts: 5 prime UTR variant (1), intron variant (1).
Genome position (GRCh38, 1-based): chr5:137,870,949, A>G. VCF-style: chr5-137870949-A-G. GRCh37 (hg19) VCF-style: chr5-137206638-A-G.
Other names: c.-48A>G (NM_001300911.2); c.-197+424A>G (NM_001135940.2); short protein forms I100V.
Identifiers: ClinVar variation 1163258 (VCV001163258.11), dbSNP rs1423966332, ClinGen allele CA361053606.